The following is an entry in ClinVar:

ClinVar aggregate classification (germline): Uncertain significance (1 of 4 stars; one submission).

Conditions:
Intellectual developmental disorder 61. Also called: MENTAL RETARDATION, AUTOSOMAL DOMINANT 61; INTELLECTUAL DEVELOPMENTAL DISORDER, AUTOSOMAL DOMINANT 61. Identifiers: MedGen C5231400, MONDO:0032485, OMIM 618009.

gnomAD v4.1: 1 of 1,613,510 alleles (0.000062%); highest among the groups gnomAD compares: African/African-American, 0.0013%; no homozygotes.

Submission:

Clinical Genomics Laboratory, Washington University in St. Louis
Classification: Uncertain significance for Intellectual developmental disorder 61. Last evaluated: 2025-06-04. Review status: criteria provided, single submitter. Criteria: ACMG Guidelines, 2015. Collection method: clinical testing. Allele origin: germline.
Comment: The MED13 c.4350G>T (p.Lys1450Asn) variant, to our knowledge, has not been reported in the medical literature. This variant is absent from the general population (gnomAD v.2.1.1), indicating it is not a common variant. Computational predictors are uncertain as to the impact of this variant on MED13 function. Due to limited information, and based on ACMG/AMP guidelines for variant interpretation (Richards S et al., PMID: 25741868), the clinical significance of this variant is uncertain at this time.

NM_005121.3(MED13):c.4350G>T (p.Lys1450Asn)

Gene: MED13 (mediator complex subunit 13; minus strand). Cytogenetic location: 17q23.2.
Variant type: single nucleotide variant.
Coding change: c.4350G>T on transcript NM_005121.3 (MANE Select); coding-DNA position 4350, G replaced by T.
Protein change: p.Lys1450Asn; replaces lysine 1450 with asparagine.
Molecular consequence: missense variant.
Genome position (GRCh38, 1-based): chr17:61,966,493, C>A on the plus strand (G>T on the coding strand, the complement: MED13 is on the minus strand). VCF-style: chr17-61966493-C-A. GRCh37 (hg19) VCF-style: chr17-60043854-C-A.
Other names: short protein forms K1450N.
Identifiers: ClinVar variation 4279804 (VCV004279804.1).
Genomic context (GRCh38, chr17:61,966,493, plus strand): 5'-GCCTTATACAATAAATACAAATTCAATACCTAGGTCATATCTGCAGACTTGTGCATAAAG[C>A]TTGAGTTTAGAAAATGCTTCATTGTTACCGTCAGCTGCCTGAGAAAACCATTCTGCTACC-3'
Protein context (NP_005112.2, residues 1440-1460): DGNNEAFSKL[Lys1450Asn]LYAQVCRYDL